The following is an entry in ClinVar:

ClinVar aggregate classification (germline): Uncertain significance (1 of 4 stars; one submission).

Conditions:
Inborn genetic diseases. Identifiers: MedGen C0950123, MeSH D030342.

Submission:

Ambry Genetics
Classification: Uncertain significance for Inborn genetic diseases. Last evaluated: 2022-12-18. Review status: criteria provided, single submitter. Criteria: Ambry Variant Classification Scheme 2023. Collection method: clinical testing. Allele origin: germline.
Comment: The p.A738G variant (also known as c.2213C>G), located in coding exon 18 of the LRRK2 gene, results from a C to G substitution at nucleotide position 2213. The alanine at codon 738 is replaced by glycine, an amino acid with similar properties. This amino acid position is conserved. In addition, this alteration is predicted to be tolerated by in silico analysis. Since supporting evidence is limited at this time, the clinical significance of this alteration remains unclear.

NM_198578.4(LRRK2):c.2213C>G (p.Ala738Gly)

Gene: LRRK2 (leucine rich repeat kinase 2; plus strand). Cytogenetic location: 12q12.
Variant type: single nucleotide variant.
Coding change: c.2213C>G on transcript NM_198578.4 (MANE Select); coding-DNA position 2213, C replaced by G.
Protein change: p.Ala738Gly; replaces alanine 738 with glycine.
Molecular consequence: missense variant.
Genome position (GRCh38, 1-based): chr12:40,278,233, C>G. VCF-style: chr12-40278233-C-G. GRCh37 (hg19) VCF-style: chr12-40672035-C-G.
Other names: short protein forms A738G.
Identifiers: ClinVar variation 2453056 (VCV002453056.2), dbSNP rs2499639386, ClinGen allele CA384405276.